The following is an entry in ClinVar:

NM_000492.4(CFTR):c.1752del (p.Glu585fs)

Gene: CFTR (CF transmembrane conductance regulator; plus strand). Cytogenetic location: 7q31.2.
Variant type: Deletion.
Coding change: c.1752del on transcript NM_000492.4 (MANE Select); coding-DNA position 1752, one base deleted (A; older notation c.1752delA).
Protein change: p.Glu585fs; shifts the reading frame from glutamic acid 585.
Molecular consequence: frameshift variant.
Genome position (GRCh38, 1-based): chr7:117,590,425, A deleted; the last of 5 consecutive A bases (chr7:117,590,421-117,590,425); deleting any one gives the same sequence. VCF-style (leftmost placement, unchanged base first): chr7-117590420-GA-G. GRCh37 (hg19) VCF-style: chr7-117230474-GA-G.
Other names: short protein forms E585fs.
Identifiers: ClinVar variation 4818483 (VCV004818483.1).

ClinVar aggregate classification (germline): Likely pathogenic (1 of 4 stars; one submission).

Conditions:
CFTR-related disorder (CFTR-RD). Also called: CFTR-related disorders; CFTR-related condition. Identifiers: MedGen C5924204, MONDO:7770004.

Submission:

Natera, Inc.
Classification: Likely pathogenic for CFTR-related disorders. Last evaluated: 2025-06-25. Review status: criteria provided, single submitter. Criteria: Natera Variant Classification Schema (03/2026). Collection method: clinical testing. Allele origin: germline.
Comment: The c.1752delA variant in CFTR is a frameshift variant predicted to shift the reading frame beginning at codon 585 and leads to a stop codon 10 codons downstream. This variant is expected to result in nonsense mediated decay, truncation, or a dysfunctional protein product. This variant is rare in the general population with a frequency below the threshold expected for the associated phenotype(s). Given the available evidence, this variant is classified as Likely Pathogenic.